The following is an entry in ClinVar:

NM_001042492.3(NF1):c.1775G>A (p.Ser592Asn)

Gene: NF1 (neurofibromin 1; plus strand). Cytogenetic location: 17q11.2.
Variant type: single nucleotide variant.
Coding change: c.1775G>A on transcript NM_001042492.3 (MANE Select); coding-DNA position 1775, G replaced by A.
Protein change: p.Ser592Asn; replaces serine 592 with asparagine.
Molecular consequence: missense variant.
Genome position (GRCh38, 1-based): chr17:31,223,497, G>A. VCF-style: chr17-31223497-G-A. GRCh37 (hg19) VCF-style: chr17-29550515-G-A.
Other names: c.1775G>A, p.Ser592Asn (NM_000267.4); short protein forms S592N.
Identifiers: ClinVar variation 186812 (VCV000186812.15), dbSNP rs760256377, ClinGen allele CA195938.

ClinVar aggregate classification (germline): Conflicting classifications of pathogenicity. Review status: criteria provided, conflicting classifications (1 of 4 stars). 5 submissions from 4 submitters: Uncertain significance (1); Benign (1); Likely benign (2). 1 of the submissions does not count toward it. Last evaluated 2025-11-19.

Conditions:
NF1-related disorder. Also called: NF1-related condition. Identifiers: MedGen CN379171.
Hereditary cancer-predisposing syndrome. Also called: Hereditary Cancer Syndrome; Neoplastic Syndromes, Hereditary; Tumor predisposition; Hereditary neoplastic syndrome. Identifiers: Orphanet 140162, MedGen C0027672, MeSH D009386, MONDO:0015356.
Cardiovascular phenotype. Identifiers: MedGen CN230736.
Neurofibromatosis, type 1 (NF1). Also called: NEUROFIBROMATOSIS, TYPE I, SOMATIC; VON RECKLINGHAUSEN DISEASE; Peripheral type neurofibromatosis; Neurofibromatosis, type I. Identifiers: Orphanet 636, MedGen C0027831, MONDO:0018975, OMIM 162200. Disease mechanism: loss of function.

Allele frequency attached by ClinVar (database versions not stated): gnomAD exomes below 0.00001; TOPMed below 0.00001; ExAC 0.00001.
gnomAD v4.1: 1 of 1,613,112 alleles (0.000062%); highest among the groups gnomAD compares: Non-Finnish European, 0.000085%; no homozygotes.

Submissions (5):

Labcorp Genetics (formerly Invitae), Labcorp
Classification: Benign for Neurofibromatosis, type 1. Last evaluated: 2025-11-19. Review status: criteria provided, single submitter. Criteria: Invitae Variant Classification Sherloc (09022015). Collection method: clinical testing. Allele origin: germline.

Quest Diagnostics Nichols Institute San Juan Capistrano
Classification: Uncertain significance. Last evaluated: 2024-11-25. Review status: criteria provided, single submitter. Criteria: Quest Diagnostics criteria. Collection method: clinical testing. Allele origin: unknown.
Comment: The NF1 c.1775G>A (p.Ser592Asn) variant has been reported in the published literature in two related individuals with Neurofibromatosis 1 (NF1). These individuals were also found to carry a pathogenic NF1 variant (PMID: 20186797 (2010)). The frequency of this variant in the general population, 0.000004 (1/251070 chromosomes (Genome Aggregation Database)), is uninformative in the assessment of its pathogenicity. Analysis of this variant using bioinformatics tools for the prediction of the effect of amino acid changes on protein structure and function yielded predictions that this variant is benign. Based on the available information, we are unable to determine the clinical significance of this variant.

Ambry Genetics
Classification: Likely benign for Cardiovascular phenotype; Hereditary cancer-predisposing syndrome. Last evaluated: 2017-11-02. Review status: criteria provided, single submitter. Criteria: Ambry Variant Classification Scheme 2023. Collection method: clinical testing. Allele origin: germline.

Ambry Genetics
Classification: Likely benign for Hereditary cancer-predisposing syndrome. Last evaluated: 2015-06-25. Review status: criteria provided, single submitter. Criteria: Ambry Autosomal Dominant and X-Linked criteria (10/2015). Collection method: clinical testing. Allele origin: germline. Observed: 1 variant allele.
Comment: Co-occurence with mutation in same gene (phase unknown);In silico models in agreement (benign)

PreventionGenetics, part of Exact Sciences
Classification: Uncertain significance for NF1-related condition. Last evaluated: 2024-02-21. Review status: no assertion criteria provided. Collection method: clinical testing. Allele origin: germline. Not counted in ClinVar's aggregate classification.
Comment: The NF1 c.1775G>A variant is predicted to result in the amino acid substitution p.Ser592Asn. This variant was reported as a maternally inherited germline variant in a pair of monozygotic twins. However, it was a presumably post-zygotic mosaic nonsense NF1 variant that was considered to be causative for neurofibromatosis type 1. The mother carrying the p.Ser592Asn variant was reported unaffected (Kaplan et al. 2010. PubMed ID: 20186797). This variant is reported in 0.00088% of alleles in individuals of European (Non-Finnish) descent in gnomAD. At this time, the clinical significance of this variant is uncertain due to the absence of conclusive functional and genetic evidence.

Literature cited by the submitters: PubMed 20186797 (cited by Quest Diagnostics Nichols Institute San Juan Capistrano and Ambry Genetics).